The following is an entry in ClinVar:

NM_005033.3(EXOSC9):c.535G>T (p.Glu179Ter)

Gene: EXOSC9 (exosome component 9; plus strand). Cytogenetic location: 4q27.
Variant type: single nucleotide variant.
Coding change: c.535G>T on transcript NM_005033.3 (MANE Select); coding-DNA position 535, G replaced by T.
Protein change: p.Glu179Ter; replaces glutamic acid 179 with a stop codon.
Molecular consequence: nonsense.
Genome position (GRCh38, 1-based): chr4:121,807,552, G>T. VCF-style: chr4-121807552-G-T. GRCh37 (hg19) VCF-style: chr4-122728707-G-T.
Other names: c.535G>T, p.Glu179Ter (NM_001034194.2); short protein forms E179*.
Identifiers: ClinVar variation 4880631 (VCV004880631.2).

ClinVar aggregate classification (germline): Likely pathogenic (1 of 4 stars; one submission).

gnomAD v4.1: 1 of 1,609,344 alleles (0.000062%); highest among the groups gnomAD compares: Non-Finnish European, 0.000085%; no homozygotes.

Submission:

Dasa
Classification: Likely pathogenic. Last evaluated: 2026-01-14. Review status: criteria provided, single submitter. Criteria: DASA Assertion Criteria. Collection method: clinical testing. Allele origin: germline.
Comment: NM_005033.3(EXOSC9):c.535G>T (p.Glu179*) is a nonsense variant in EXOSC9 predicted to introduce a premature termination codon and is predicted to result in an absent or altered protein product. Loss of function is an established disease mechanism for EXOSC9-associated disorders. Also, this variant is rare in population databases. Based on the currently available evidence, this variant is classified as likely pathogenic.